The following is an entry in ClinVar:

ClinVar aggregate classification (germline): Pathogenic. Review status: criteria provided, multiple submitters, no conflicts (2 of 4 stars). 3 submissions from 3 submitters: Pathogenic (3). Last evaluated 2022-09-09.

Conditions:
Polycystic kidney disease, adult type (PKD1). Also called: Polycystic Kidney, Autosomal Dominant; Polycystic Kidney Disease 1, Autosomal Dominant; Polycystic kidney disease 1; Polycystic kidney disease 1, severe; POLYCYSTIC KIDNEY DISEASE 1 WITH OR WITHOUT POLYCYSTIC LIVER DISEASE; POLYCYSTIC KIDNEY DISEASE, ADULT, TYPE I. Identifiers: MedGen C3149841, MONDO:0008263, OMIM 173900.
PKD1-related disorder. Also called: PKD1-related condition.

Submissions (3):

Blueprint Genetics
Classification: Pathogenic for PKD1-related disorders. Last evaluated: 2022-09-09. Review status: criteria provided, single submitter. Criteria: ACMG Guidelines, 2015. Collection method: clinical testing. Allele origin: germline. Affected: yes. Observed: 2 variant alleles.

CeGaT Center for Human Genetics Tuebingen
Classification: Pathogenic. Last evaluated: 2022-04-01. Review status: criteria provided, single submitter. Criteria: CeGaT Center For Human Genetics Tuebingen Variant Classification Criteria Version 2. Collection method: clinical testing. Allele origin: germline. Affected: yes. Observed: 1 variant allele.
Comment: PKD1: PVS1, PM2

Juno Genomics, Hangzhou Juno Genomics, Inc
Classification: Pathogenic for Polycystic kidney disease, adult type. Review status: criteria provided, single submitter. Criteria: ACMG Guidelines, 2015. Collection method: clinical testing. Allele origin: germline. Affected: yes.
Comment: Absent from controls (or at extremely low frequency if recessive) in Genome Aggregation Database, Exome Sequencing Project, 1000 Genomes Project, or Exome Aggregation Consortium.;Null variant in a gene where loss of function (LOF) is a known mechanism of disease.;The prevalence of the variant in affected individuals is significantly increased compared to the prevalence in controls.;Patient's phenotype or family history is highly specific for a disease with a single genetic etiology.

NM_001009944.3(PKD1):c.7345dup (p.Thr2449fs)

Gene: PKD1 (polycystin 1, transient receptor potential channel interacting; minus strand). Cytogenetic location: 16p13.3.
Variant type: Duplication.
Coding change: c.7345dup on transcript NM_001009944.3 (MANE Select); coding-DNA position 7345, one base duplicated (A; older notation c.7345dupA).
Protein change: p.Thr2449fs; shifts the reading frame from threonine 2449.
Molecular consequence: frameshift variant.
Genome position (GRCh38, 1-based): chr16:2,106,542, T duplicated on the plus strand (A on the coding strand, the reverse complement: PKD1 is on the minus strand). VCF-style (leftmost placement, unchanged base first): chr16-2106541-G-GT. GRCh37 (hg19) VCF-style: chr16-2156542-G-GT.
Other names: c.7345dup, p.Thr2449fs (NM_000296.4); short protein forms T2449fs.
Identifiers: ClinVar variation 1694782 (VCV001694782.33), dbSNP rs2151774462, ClinGen allele CA2580090947.
Genomic context (GRCh38, chr16:2,106,541, plus strand): 5'-CGGTTGGGGGACAGGCGGATGGAGGCGCAGCCCTCCTCCTCGCCAGAGCGGCCCAGCACC[G>GT]TGAGCGTGAAGGTGTATCCCTCGCCGTCCCGCAGCACGCCCCGCCGCAGCACCAGTCGCA-3'